The following is an entry in ClinVar:

NM_000458.4(HNF1B):c.451T>C (p.Ser151Pro)

Gene: HNF1B (HNF1 homeobox B; minus strand). Cytogenetic location: 17q12.
Variant type: single nucleotide variant.
Coding change: c.451T>C on transcript NM_000458.4 (MANE Select); coding-DNA position 451, T replaced by C.
Protein change: p.Ser151Pro; replaces serine 151 with proline.
Molecular consequence: missense variant.
Genome position (GRCh38, 1-based): chr17:37,739,533, A>G on the plus strand (T>C on the coding strand, the complement: HNF1B is on the minus strand). VCF-style: chr17-37739533-A-G. GRCh37 (hg19) VCF-style: chr17-36099524-A-G.
Other names: c.451T>C, p.Ser151Pro (NM_001165923.4, NM_001304286.2); short protein forms S151P.
Identifiers: ClinVar variation 635697 (VCV000635697.1), dbSNP rs2511829158, ClinGen allele CA398751403.

ClinVar aggregate classification (germline): Likely pathogenic (1 of 4 stars; one submission).

Conditions:
Renal cysts and diabetes syndrome (RCAD). Also called: Familial hypoplastic, glomerulocystic kidney; MATURITY-ONSET DIABETES OF THE YOUNG, TYPE 5. Identifiers: Orphanet 93111, MedGen C0431693, MONDO:0007669, OMIM 137920.

Submission:

Institute of Human Genetics, FAU Erlangen, Friedrich-Alexander-Universität Erlangen-Nürnberg
Classification: Likely pathogenic for Renal cysts and diabetes syndrome. Last evaluated: 2019-07-06. Review status: criteria provided, single submitter. Criteria: ACMG Guidelines, 2015. Collection method: literature only. Allele origin: germline. Affected: yes.
Comment: This variant and it's classification has been reported by Vasileiou et al. 2019; DOI:10.1101/576918. The variants has previously been reported in PMID:25700310; PMID:11918730; PMID:25536396; PMID:20633866; PMID:10484768 as "c.451T>C; c.451T>C; S151P/N p.Ser151Pro" with clinical significance Pathogenic. It has been re-classified using InterVar and manual curation as Likely pathogenic based on PM1 PM2 PM5 PP3 PP5.

Literature cited by the submitters: PubMed 25700310; PubMed 11918730; PubMed 25536396; PubMed 20633866; PubMed 10484768; DOI 10.1101/576918.